The following is an entry in ClinVar:

NM_000143.4(FH):c.1108+10T>C

Gene: FH (fumarate hydratase; minus strand). Cytogenetic location: 1q43.
Variant type: single nucleotide variant.
Coding change: c.1108+10T>C on transcript NM_000143.4 (MANE Select); 10 bases into the intron after coding-DNA position 1108, T replaced by C.
Molecular consequence: intron variant.
Genome position (GRCh38, 1-based): chr1:241,504,032, A>G on the plus strand (T>C on the coding strand, the complement: FH is on the minus strand). VCF-style: chr1-241504032-A-G. GRCh37 (hg19) VCF-style: chr1-241667332-A-G.
Identifiers: ClinVar variation 712217 (VCV000712217.10), dbSNP rs201513242, ClinGen allele CA1478549.
Genomic context (GRCh38, chr1:241,504,032, plus strand): 5'-TGGTCCATAGCTAAGAATGCCTAGGACCTAGTCAAGTTTTAGCTCCAACATTTACTAGCT[A>G]TGTGATTACCTGGCATGATACTGCTTCCTGGTTCATTTTCAGGCAAGATCAATTCTCCCA-3'

ClinVar aggregate classification (germline): Likely benign. Review status: criteria provided, multiple submitters, no conflicts (2 of 4 stars). 2 submissions from 2 submitters: Likely benign (2). Last evaluated 2025-01-06.

Conditions:
Hereditary leiomyomatosis and renal cell cancer. Also called: Familial leiomyomatosis; Reed syndrome; Multiple cutaneous and uterine leiomyomatosis; Cutaneous leiomyomata with uterine leiomyomata; Leiomyoma, hereditary multiple, of skin; Multiple cutaneous and uterine leiomyomata. Identifiers: Orphanet 523, MedGen C1708350, MONDO:0007888, OMIM 150800, HP:0007437. Disease mechanism: loss of function.

Allele frequency attached by ClinVar (database versions not stated): gnomAD exomes below 0.00001; ExAC 0.00001.
gnomAD v4.1: 6 of 1,612,148 alleles (0.00037%); highest among the groups gnomAD compares: South Asian, 0.0011%; no homozygotes.

Submissions (2):

Labcorp Genetics (formerly Invitae), Labcorp
Classification: Likely benign. Last evaluated: 2025-01-06. Review status: criteria provided, single submitter. Criteria: Invitae Variant Classification Sherloc (09022015). Collection method: clinical testing. Allele origin: germline.

Myriad Genetics, Inc.
Classification: Likely benign for Hereditary leiomyomatosis and renal cell cancer. Last evaluated: 2024-10-21. Review status: criteria provided, single submitter. Criteria: Myriad Autosomal Dominant, Autosomal Recessive and X-Linked Classification Criteria (2023). Collection method: clinical testing. Allele origin: unknown.
Comment: This variant is considered likely benign. This variant is intronic and is not expected to impact mRNA splicing.